The following is an entry in ClinVar:

ClinVar aggregate classification (germline): Uncertain significance (1 of 4 stars; one submission).

Allele frequency attached by ClinVar (database versions not stated): gnomAD exomes below 0.00001.
gnomAD v4.1: 1 of 1,576,866 alleles (0.000063%); highest among the groups gnomAD compares: Admixed American, 0.0019%; no homozygotes.

Submission:

Labcorp Genetics (formerly Invitae), Labcorp
Classification: Uncertain significance. Last evaluated: 2022-07-04. Review status: criteria provided, single submitter. Criteria: Invitae Variant Classification Sherloc (09022015). Collection method: clinical testing. Allele origin: germline.
Comment: In summary, the available evidence is currently insufficient to determine the role of this variant in disease. Therefore, it has been classified as a Variant of Uncertain Significance. Algorithms developed to predict the effect of missense changes on protein structure and function are either unavailable or do not agree on the potential impact of this missense change (SIFT: "Deleterious"; PolyPhen-2: "Not Available"; Align-GVGD: "Class C0"). This variant has not been reported in the literature in individuals affected with MICAL1-related conditions. This variant is present in population databases (rs757208131, gnomAD 0.004%). This sequence change replaces serine, which is neutral and polar, with arginine, which is basic and polar, at codon 11 of the MICAL1 protein (p.Ser11Arg).

NM_022765.4(MICAL1):c.-25C>A

Gene: MICAL1 (microtubule associated monooxygenase, calponin and LIM domain containing 1; minus strand). Cytogenetic location: 6q21.
Variant type: single nucleotide variant.
Coding change: c.-25C>A on transcript NM_022765.4 (MANE Select); 25 bases upstream of the start codon, C replaced by A.
Molecular consequence: 5 prime UTR variant. On other transcripts: missense variant (1).
Genome position (GRCh38, 1-based): chr6:109,454,221, G>T on the plus strand (C>A on the coding strand, the complement: MICAL1 is on the minus strand). VCF-style: chr6-109454221-G-T. GRCh37 (hg19) VCF-style: chr6-109775424-G-T.
Other names: c.-25C>A (NM_001159291.2); c.33C>A, p.Ser11Arg (NM_001286613.2); short protein forms S11R.
Identifiers: ClinVar variation 1964737 (VCV001964737.5), dbSNP rs757208131, ClinGen allele CA3953917.